The following is an entry in ClinVar:

NM_000548.5(TSC2):c.86G>A (p.Arg29Lys)

Gene: TSC2 (TSC complex subunit 2; plus strand). Cytogenetic location: 16p13.3.
Variant type: single nucleotide variant.
Coding change: c.86G>A on transcript NM_000548.5 (MANE Select); coding-DNA position 86, G replaced by A.
Protein change: p.Arg29Lys; replaces arginine 29 with lysine.
Molecular consequence: missense variant. On other transcripts: 5 prime UTR variant (1), intron variant (1).
Genome position (GRCh38, 1-based): chr16:2,048,701, G>A. VCF-style: chr16-2048701-G-A. GRCh37 (hg19) VCF-style: chr16-2098702-G-A.
Other names: c.86G>A, p.Arg29Lys (NM_001077183.3, NM_001114382.3, NM_001318827.2 and 4 more transcripts); c.-141G>A (NM_001318831.2); c.119G>A, p.Arg40Lys (NM_001318832.2); c.-10+636G>A (NM_001318829.2); short protein forms R29K, R40K.
Identifiers: ClinVar variation 572351 (VCV000572351.9), dbSNP rs1567380695, ClinGen allele CA394301347.
Genomic context (GRCh38, chr16:2,048,701, plus strand): 5'-CAGGCTTGAAGGAGAAGTTTAAGATTCTGTTGGGACTGGGAACACCGAGGCCAAATCCCA[G>A]GTCTGCAGAGGGTAAACAGACGGAGTTTATCATCACCGCGGAAATACTGAGAGTGAGTGA-3'
Protein context (NP_000539.2, residues 19-39): LGLGTPRPNP[Arg29Lys]SAEGKQTEFI

ClinVar aggregate classification (germline): Uncertain significance. Review status: criteria provided, multiple submitters, no conflicts (2 of 4 stars). 2 submissions from 2 submitters: Uncertain significance (2). Last evaluated 2025-09-11.

Conditions:
Tuberous sclerosis syndrome (TSC). Also called: Tuberous sclerosis; Tuberous Sclerosis Complex. Identifiers: Orphanet 805, MedGen C0041341, MONDO:0001734.
Tuberous sclerosis 2 (TSC2). Identifiers: Orphanet 805, MedGen C1860707, MONDO:0013199, OMIM 613254.

Submissions (2):

Color Diagnostics, LLC DBA Color Health
Classification: Uncertain significance for Tuberous sclerosis syndrome. Last evaluated: 2025-09-11. Review status: criteria provided, single submitter. Criteria: ACMG Guidelines, 2015. Collection method: clinical testing. Allele origin: germline.
Comment: This missense variant replaces arginine with lysine at codon 29 of the TSC2 protein. Computational prediction suggests that this variant may not impact protein structure and function. To our knowledge, functional studies have not been reported for this variant. This variant has not been reported in individuals affected with TSC2-related disorders in the literature. This variant has not been identified in the general population by the Genome Aggregation Database (gnomAD). The available evidence is insufficient to determine the role of this variant in disease conclusively. Therefore, this variant is classified as a Variant of Uncertain Significance.

Labcorp Genetics (formerly Invitae), Labcorp
Classification: Uncertain significance for Tuberous sclerosis 2. Last evaluated: 2023-11-17. Review status: criteria provided, single submitter. Criteria: Invitae Variant Classification Sherloc (09022015). Collection method: clinical testing. Allele origin: germline.
Comment: This sequence change replaces arginine, which is basic and polar, with lysine, which is basic and polar, at codon 29 of the TSC2 protein (p.Arg29Lys). This variant is not present in population databases (gnomAD no frequency). This variant has not been reported in the literature in individuals affected with TSC2-related conditions. ClinVar contains an entry for this variant (Variation ID: 572351). Advanced modeling of protein sequence and biophysical properties (such as structural, functional, and spatial information, amino acid conservation, physicochemical variation, residue mobility, and thermodynamic stability) performed at Invitae indicates that this missense variant is not expected to disrupt TSC2 protein function with a negative predictive value of 95%. In summary, the available evidence is currently insufficient to determine the role of this variant in disease. Therefore, it has been classified as a Variant of Uncertain Significance.